The following is an entry in ClinVar:

ClinVar aggregate classification (germline): Pathogenic (1 of 4 stars; one submission).

Conditions:
Smith-Lemli-Opitz syndrome (SLOS). Also called: LETHAL ACRODYSGENITAL SYNDROME; POLYDACTYLY, SEX REVERSAL, RENAL HYPOPLASIA, AND UNILOBAR LUNG; RSH SYNDROME; RUTLEDGE LETHAL MULTIPLE CONGENITAL ANOMALY SYNDROME; 7-Dehydrocholesterol reductase deficiency. Identifiers: Orphanet 818, MedGen C0175694, MONDO:0010035, OMIM 270400.

Submission:

Labcorp Genetics (formerly Invitae), Labcorp
Classification: Pathogenic for Smith-Lemli-Opitz syndrome. Last evaluated: 2021-08-12. Review status: criteria provided, single submitter. Criteria: Invitae Variant Classification Sherloc (09022015). Collection method: clinical testing. Allele origin: germline.
Comment: For these reasons, this variant has been classified as Pathogenic. This variant has not been reported in the literature in individuals affected with DHCR7-related conditions. This variant is not present in population databases (ExAC no frequency). This sequence change creates a premature translational stop signal (p.Phe215*) in the DHCR7 gene. It is expected to result in an absent or disrupted protein product. Loss-of-function variants in DHCR7 are known to be pathogenic (PMID: 9634533, 10677299).

Literature cited by the submitters: PubMed 9634533; PubMed 10677299.

NM_001360.3(DHCR7):c.644_659del (p.Asn214_Phe215insTer)

Gene: DHCR7 (7-dehydrocholesterol reductase; minus strand). Cytogenetic location: 11q13.4.
Variant type: Deletion.
Coding change: c.644_659del on transcript NM_001360.3 (MANE Select); coding-DNA positions 644 to 659, 16 bases deleted (TCTTTTACAACTACAT).
Protein change: p.Asn214_Phe215insTer.
Molecular consequence: nonsense.
Genome position (GRCh38, 1-based): chr11:71,439,051-71,439,066, ATGTAGTTGTAAAAGA deleted on the plus strand (TCTTTTACAACTACAT on the coding strand, the reverse complement: DHCR7 is on the minus strand); deleting any 16 consecutive bases within chr11:71,439,051-71,439,067 gives the same sequence; the c. name uses the placement nearest the transcript's 3' end. VCF-style (leftmost placement, unchanged base first): chr11-71439050-CATGTAGTTGTAAAAGA-C. GRCh37 (hg19) VCF-style: chr11-71150096-CATGTAGTTGTAAAAGA-C.
Other names: c.644_659del, p.Asn214_Phe215insTer (NM_001163817.2).
Identifiers: ClinVar variation 1414460 (VCV001414460.6), dbSNP rs2135942891, ClinGen allele CA2573147612.